The following is an entry in ClinVar:

NM_201384.3(PLEC):c.9599G>A (p.Arg3200Gln)

Gene: PLEC (plectin; minus strand). Cytogenetic location: 8q24.3.
Variant type: single nucleotide variant.
Coding change: c.9599G>A on transcript NM_201384.3 (MANE Select); coding-DNA position 9599, G replaced by A.
Protein change: p.Arg3200Gln; replaces arginine 3200 with glutamine.
Molecular consequence: missense variant.
Genome position (GRCh38, 1-based): chr8:143,920,222, C>T on the plus strand (G>A on the coding strand, the complement: PLEC is on the minus strand). VCF-style: chr8-143920222-C-T. GRCh37 (hg19) VCF-style: chr8-144994390-C-T.
Other names: c.9680G>A, p.Arg3227Gln (NM_000445.5); c.9557G>A, p.Arg3186Gln (NM_201378.4); c.9533G>A, p.Arg3178Gln (NM_201379.3); c.10010G>A, p.Arg3337Gln (NM_201380.4); c.9503G>A, p.Arg3168Gln (NM_201381.3); c.9599G>A, p.Arg3200Gln (NM_201382.4); c.9611G>A, p.Arg3204Gln (NM_201383.3); c.9680G>A (NM_000445.3); short protein forms R3168Q, R3178Q, R3186Q, R3200Q, R3204Q, R3227Q, R3337Q.
Identifiers: ClinVar variation 500617 (VCV000500617.11), dbSNP rs782232536, ClinGen allele CA4924917.

ClinVar aggregate classification (germline): Uncertain significance. Review status: criteria provided, multiple submitters, no conflicts (2 of 4 stars). 3 submissions from 3 submitters: Uncertain significance (3). Last evaluated 2024-10-13.

Conditions:
Inborn genetic diseases. Identifiers: MedGen C0950123, MeSH D030342.
Epidermolysis bullosa simplex 5B, with muscular dystrophy (EBS5B). Also called: EPIDERMOLYSIS BULLOSA SIMPLEX AND LIMB-GIRDLE MUSCULAR DYSTROPHY; Epidermolysis bullosa simplex with muscular dystrophy. Identifiers: Orphanet 257, MedGen C2931072, MONDO:0009181, OMIM 226670.
Epidermolysis bullosa simplex, Ogna type (EBS5A). Also called: Pidermolysis bullosa simplex 5A, Ogna type; EPIDERMOLYSIS BULLOSA SIMPLEX 5A, OGNA TYPE. Identifiers: Orphanet 79401, MedGen C0432317, MONDO:0007555, OMIM 131950.
Autosomal recessive limb-girdle muscular dystrophy type 2Q (LGMDR17). Also called: MUSCULAR DYSTROPHY, LIMB-GIRDLE, AUTOSOMAL RECESSIVE 17. Identifiers: Orphanet 254361, MedGen C3150989, MONDO:0013390, OMIM 613723.
Epidermolysis bullosa simplex 5C, with pyloric atresia (EBS5C). Also called: Epidermolysis bullosa simplex with pyloric atresia; PLEC1-Related Epidermolysis Bullosa with Pyloric Atresia; PLEC-Related Epidermolysis Bullosa with Pyloric Atresia. Identifiers: Orphanet 158684, MedGen C2677349, MONDO:0012807, OMIM 612138.
Epidermolysis bullosa simplex with nail dystrophy (EBS5D). Identifiers: MedGen C4225309, MONDO:0014661, OMIM 616487.

Allele frequency attached by ClinVar (database versions not stated): gnomAD 0.00003 and 0.00004; ExAC 0.00004; gnomAD exomes 0.00002 and 0.00004; TOPMed 0.00002.
gnomAD v4.1: 60 of 1,605,736 alleles (0.0037%); highest among the groups gnomAD compares: Middle Eastern, 0.016%; no homozygotes.

Submissions (3):

Labcorp Genetics (formerly Invitae), Labcorp
Classification: Uncertain significance for Autosomal recessive limb-girdle muscular dystrophy type 2Q; Epidermolysis bullosa simplex, Ogna type; Epidermolysis bullosa simplex with nail dystrophy; Epidermolysis bullosa simplex 5C, with pyloric atresia; Epidermolysis bullosa simplex 5B, with muscular dystrophy. Last evaluated: 2024-10-13. Review status: criteria provided, single submitter. Criteria: Invitae Variant Classification Sherloc (09022015). Collection method: clinical testing. Allele origin: germline.
Comment: This sequence change replaces arginine, which is basic and polar, with glutamine, which is neutral and polar, at codon 3227 of the PLEC protein (p.Arg3227Gln). This variant is present in population databases (rs782232536, gnomAD 0.01%). This variant has not been reported in the literature in individuals affected with PLEC-related conditions. ClinVar contains an entry for this variant (Variation ID: 500617). An algorithm developed to predict the effect of missense changes on protein structure and function outputs the following: PolyPhen-2: "Benign". The glutamine amino acid residue is found in multiple mammalian species, which suggests that this missense change does not adversely affect protein function. In summary, the available evidence is currently insufficient to determine the role of this variant in disease. Therefore, it has been classified as a Variant of Uncertain Significance.

Ambry Genetics
Classification: Uncertain significance for Inborn genetic diseases. Last evaluated: 2022-01-26. Review status: criteria provided, single submitter. Criteria: Ambry Variant Classification Scheme 2023. Collection method: clinical testing. Allele origin: germline.

Eurofins Ntd Llc (ga)
Classification: Uncertain significance. Last evaluated: 2017-02-27. Review status: criteria provided, single submitter. Criteria: EGL Classification Definitions 2015. Collection method: clinical testing. Allele origin: germline. Observed: 1 variant allele, 1 heterozygote.